The following is an entry in ClinVar:

NM_000169.3(GLA):c.167G>T (p.Cys56Phe)

Genes: GLA (galactosidase alpha; minus strand), RPL36A-HNRNPH2 (RPL36A-HNRNPH2 readthrough; plus strand). Cytogenetic location: Xq22.1.
Variant type: single nucleotide variant.
Coding change: c.167G>T on transcript NM_000169.3 (MANE Select); coding-DNA position 167, G replaced by T.
Protein change: p.Cys56Phe; replaces cysteine 56 with phenylalanine.
Molecular consequence: missense variant. On other transcripts: non-coding transcript variant (3), intron variant (2).
Genome position (GRCh38, 1-based): chrX:101,407,737, C>A on the plus strand (G>T on the coding strand, the complement: GLA is on the minus strand). VCF-style: chrX-101407737-C-A. GRCh37 (hg19) VCF-style: chrX-100662725-C-A.
Other names: c.167G>T, p.Cys56Phe (NM_001406747.1, NM_001406748.1, NM_001406749.1); c.301-4199C>A (NM_001199973.2); c.178-4199C>A (NM_001199974.2); short protein forms C56F.
Identifiers: ClinVar variation 222187 (VCV000222187.4), dbSNP rs869312258, ClinGen allele CA352731.
Genomic context (GRCh38, chrX:101,407,737, plus strand): 5'-AGCAAAGGGAAGGGAGTACCCAATATCTGATACCTGATGCAGGAATCTGGCTCTTCCTGG[C>A]AGTCAAGGTTGCACATGAAGCGCTCCCAGTGCAGCCAGCCCATGGTAGGCGTCCTTGCCA-3'
Protein context (NP_000160.1, residues 46-66): HWERFMCNLD[Cys56Phe]QEEPDSCISE

ClinVar aggregate classification (germline): Conflicting classifications of pathogenicity. Review status: criteria provided, conflicting classifications (1 of 4 stars). 3 submissions from 3 submitters: Pathogenic (1); Likely pathogenic (1); Uncertain significance (1). Last evaluated 2026-09-08.

Conditions:
Fabry disease. Also called: GLA DEFICIENCY; HEREDITARY DYSTOPIC LIPIDOSIS; Fabry's disease; Angiokeratoma corporis diffusum; Ceramide trihexosidosis; ALPHA-GALACTOSIDASE A DEFICIENCY. Identifiers: Orphanet 324, MedGen C0002986, MONDO:0010526, OMIM 301500, HP:0001071. Disease mechanism: loss of function, Fabry disease is due to inactivating mutations in the X-linked GLA gene resulting in deficiency of the enzyme Alpha Galactosidase-A..
Cardiovascular phenotype. Identifiers: MedGen CN230736.

Submissions (3):

Genomenon, Inc
Classification: Pathogenic for Fabry disease. Last evaluated: 2026-09-08. Review status: criteria provided, single submitter. Criteria: Genomenon Sequence Variant Interpretation Standards - Updated. Collection method: curation. Allele origin: germline. Affected: yes.
Comment: GLA p.Cys56Phe (c.167G>T) is a missense variant that changes the amino acid at codon 56 from Cysteine to Phenylalanine. This variant has been observed in at least one proband with clinical features consistent with Fabry disease (PMID:7531540). At least one functional study has demonstrated a substantial alteration in protein function relative to the wild-type (PMID:27657681). This variant is located in a mutational hotspot and/or important functional domain. It is absent or not present at a significant frequency in gnomAD. In silico models predict that this variant is possibly or probably damaging. In conclusion, we classify GLA p.Cys56Phe (c.167G>T) as a pathogenic variant.

Ambry Genetics
Classification: Likely pathogenic for Cardiovascular phenotype. Last evaluated: 2025-03-12. Review status: criteria provided, single submitter. Criteria: Ambry Variant Classification Scheme 2023. Collection method: clinical testing. Allele origin: germline.
Comment: The p.C56F variant (also known as c.167G>T), located in coding exon 1 of the GLA gene, results from a G to T substitution at nucleotide position 167. The cysteine at codon 56 is replaced by phenylalanine, an amino acid with highly dissimilar properties. This variant was reported in individual(s) with features consistent with Fabry disease (Eng CM et al. Hum Mol Genet, 1994 Oct;3:1795-9). In an assay testing GLA function, this variant showed a functionally abnormal result (Benjamin ER et al. Genet Med, 2017 Apr;19:430-438). Other variant(s) at the same codon, p.C56Y (c.167G>A), have been identified in individual(s) with features consistent with Fabry disease (Davies JP et al. Eur J Hum Genet. 1996 ;4(4):219-24). This amino acid position is highly conserved in available vertebrate species. In addition, this alteration is predicted to be deleterious by in silico analysis. This variant is considered to be rare based on population cohorts in the Genome Aggregation Database (gnomAD). Based on the majority of available evidence to date, this variant is likely to be pathogenic.

Women's Health and Genetics/Laboratory Corporation of America, LabCorp
Classification: Uncertain significance. Last evaluated: 2019-03-14. Review status: criteria provided, single submitter. Criteria: LabCorp Variant Classification Summary - May 2015. Collection method: clinical testing. Allele origin: germline.
Comment: Variant summary: GLA c.167G>T (p.Cys56Phe) results in a non-conservative amino acid change in the encoded protein sequence. Five of five in-silico tools predict a damaging effect of the variant on protein function (ACMG PP3). The variant was absent in 178573 control chromosomes (ACMG PM2). The available data on variant occurrences in the general population are insufficient to allow any conclusion about variant significance. c.167G>T has been reported in the literature in an individual affected with classic Fabry Disease (Eng_1994). This report does not provide unequivocal conclusions about association of the variant with Fabry Disease. To our knowledge, no experimental evidence demonstrating an impact on protein function has been reported. However, based on structural analysis, the variant is predicted to disturb the formation of disulfide bond between C56 and C63, and thus may lead to degradation of the protein before it is transported to the lysosomes (Saito_2013). Additionally, the variant was described as amenable to therapy based on an in vitro assay, according to Galafold (migalastat) insert, which is an FDA approved therapy for Fabry disease. However, the insert also states that the inclusion of a variant in this category does not reflect intepretation of clinical significance in Fabry disease. Therefore, this evidence neither supports nor rules out a pathogenic outcome. No clinical diagnostic laboratories have submitted clinical-significance assessments for this variant to ClinVar after 2014. Based on the evidence outlined above, the variant was classified as uncertain significance until additional clinical data and functional studies become available.

Literature cited by the submitters: PubMed 7531540 (cited by 3 submitters); PubMed 27657681 (cited by 3 submitters); PubMed 34877240 (cited by Ambry Genetics); PubMed 37937352 (cited by Ambry Genetics); PubMed 8875188 (cited by Ambry Genetics); PubMed 24386359 (cited by Women's Health and Genetics/Laboratory Corporation of America, LabCorp).